The following is an entry in ClinVar:

NM_001204.7(BMPR2):c.883A>C (p.Thr295Pro)

Gene: BMPR2 (bone morphogenetic protein receptor type 2; plus strand). Cytogenetic location: 2q33.2.
Variant type: single nucleotide variant.
Coding change: c.883A>C on transcript NM_001204.7 (MANE Select); coding-DNA position 883, A replaced by C.
Protein change: p.Thr295Pro; replaces threonine 295 with proline.
Molecular consequence: missense variant.
Genome position (GRCh38, 1-based): chr2:202,520,117, A>C. VCF-style: chr2-202520117-A-C. GRCh37 (hg19) VCF-style: chr2-203384840-A-C.
Other names: short protein forms T295P.
Identifiers: ClinVar variation 3824778 (VCV003824778.1).
Genomic context (GRCh38, chr2:202,520,117, plus strand): 5'-TTTTTTTTTCGCATTTTTTCCTCTATATAGGGATCTTTATGCAAGTATTTAAGTCTCCAC[A>C]CAAGTGACTGGGTAAGCTCTTGCCGTCTTGCTCATTCTGTTACTAGAGGACTGGCTTATC-3'
Protein context (NP_001195.2, residues 285-305): GSLCKYLSLH[Thr295Pro]SDWVSSCRLA

ClinVar aggregate classification (germline): Uncertain significance (1 of 4 stars; one submission).

Conditions:
Inborn genetic diseases. Identifiers: MedGen C0950123, MeSH D030342.

gnomAD v4.1: 9 of 1,613,028 alleles (0.00056%); highest among the groups gnomAD compares: Non-Finnish European, 0.00076%; no homozygotes.

Submission:

Ambry Genetics
Classification: Uncertain significance for Inborn genetic diseases. Last evaluated: 2024-12-23. Review status: criteria provided, single submitter. Criteria: Ambry Variant Classification Scheme 2023. Collection method: clinical testing. Allele origin: germline.
Comment: The p.T295P variant (also known as c.883A>C), located in coding exon 7 of the BMPR2 gene, results from an A to C substitution at nucleotide position 883. The threonine at codon 295 is replaced by proline, an amino acid with highly similar properties. This amino acid position is conserved. In addition, this alteration is predicted to be deleterious by in silico analysis. Based on the available evidence, the clinical significance of this variant remains unclear.